The following is an entry in ClinVar:

NM_004104.5(FASN):c.5103G>A (p.Ser1701=)

Gene: FASN (fatty acid synthase; minus strand). Cytogenetic location: 17q25.3.
Variant type: single nucleotide variant.
Coding change: c.5103G>A on transcript NM_004104.5 (MANE Select); coding-DNA position 5103, G replaced by A.
Protein change: p.Ser1701=; no amino-acid change (serine 1701 retained).
Molecular consequence: synonymous variant.
Genome position (GRCh38, 1-based): chr17:82,083,887, C>T on the plus strand (G>A on the coding strand, the complement: FASN is on the minus strand). VCF-style: chr17-82083887-C-T. GRCh37 (hg19) VCF-style: chr17-80041763-C-T.
Identifiers: ClinVar variation 385110 (VCV000385110.8), dbSNP rs752285807, ClinGen allele CA8851814.

ClinVar aggregate classification (germline): Likely benign. Review status: criteria provided, multiple submitters, no conflicts (2 of 4 stars). 2 submissions from 2 submitters: Likely benign (2). Last evaluated 2024-05-12.

Conditions:
Epileptic encephalopathy. Identifiers: MedGen C0543888, HP:0200134.

Allele frequency attached by ClinVar (database versions not stated): gnomAD 0.00003; TOPMed 0.00005; gnomAD exomes 0.00010; ExAC 0.00017.

Submissions (3):

Labcorp Genetics (formerly Invitae), Labcorp
Classification: Likely benign for Epileptic encephalopathy. Last evaluated: 2024-05-12. Review status: criteria provided, single submitter. Criteria: Invitae Variant Classification Sherloc (09022015). Collection method: clinical testing. Allele origin: germline.

GeneDx
Classification: Likely benign. Last evaluated: 2016-03-22. Review status: criteria provided, single submitter. Criteria: GeneDx Variant Classification (06012015). Collection method: clinical testing. Allele origin: germline. Affected: yes.
Comment: This variant is considered likely benign or benign based on one or more of the following criteria: it is a conservative change, it occurs at a poorly conserved position in the protein, it is predicted to be benign by multiple in silico algorithms, and/or has population frequency not consistent with disease.

Dr. Peter K. Rogan Lab, Western University
No classification provided (evidence only). Condition: Colon adenocarcinoma. Review status: no classification provided. Collection method: in vitro. Allele origin: not applicable. Functional consequence: cryptic splice site. Not counted in ClinVar's aggregate classification.